The following is an entry in ClinVar:

ClinVar aggregate classification (germline): Uncertain significance. Review status: criteria provided, multiple submitters, no conflicts (2 of 4 stars). 3 submissions from 3 submitters: Uncertain significance (2). 1 of the submissions does not count toward it. Last evaluated 2025-07-24.

Conditions:
Nemaline myopathy 2 (NEM2). Also called: Nemaline myopathy 2, autosomal recessive. Identifiers: MedGen C1850569, MONDO:0009725, OMIM 256030.

Allele frequency attached by ClinVar (database versions not stated): gnomAD 0.00005; ESP Exome Variant Server 0.00008; ExAC 0.00002; TOPMed 0.00004; gnomAD exomes 0.00008 and 0.00004.

Submissions (3):

Revvity Omics, Revvity
Classification: Uncertain significance. Last evaluated: 2025-07-24. Review status: criteria provided, single submitter. Criteria: ACMG Guidelines, 2015. Collection method: clinical testing. Allele origin: germline.

Labcorp Genetics (formerly Invitae), Labcorp
Classification: Uncertain significance for Nemaline myopathy 2. Last evaluated: 2022-09-01. Review status: criteria provided, single submitter. Criteria: Invitae Variant Classification Sherloc (09022015). Collection method: clinical testing. Allele origin: germline.
Comment: This variant, c.17376_17381del, is a complex sequence change that results in the deletion of 3 and insertion of 1 amino acid(s) in the NEB protein (p.Met5792_Asp5794delinsIle). This variant is present in population databases (rs765184893, gnomAD 0.008%). This variant has not been reported in the literature in individuals affected with NEB-related conditions. ClinVar contains an entry for this variant (Variation ID: 657541). Experimental studies and prediction algorithms are not available or were not evaluated, and the functional significance of this variant is currently unknown. In summary, the available evidence is currently insufficient to determine the role of this variant in disease. Therefore, it has been classified as a Variant of Uncertain Significance.

Natera, Inc.
Classification: Uncertain significance for Nemaline myopathy type 2. Last evaluated: 2020-09-16. Review status: no assertion criteria provided. Collection method: clinical testing. Allele origin: germline. Not counted in ClinVar's aggregate classification.

NM_001164508.2(NEB):c.17376_17381del (p.Met5792_Asp5794delinsIle)

Gene: NEB (nebulin; minus strand). Cytogenetic location: 2q23.3.
Variant type: Deletion.
Coding change: c.17376_17381del on transcript NM_001164508.2 (MANE Select); coding-DNA positions 17376 to 17381, 6 bases deleted (GCCCGA; older notation c.17376_17381delGCCCGA).
Protein change: p.Met5792_Asp5794delinsIle.
Molecular consequence: inframe indel.
Genome position (GRCh38, 1-based): chr2:151,570,130-151,570,135, TCGGGC deleted on the plus strand (GCCCGA on the coding strand, the reverse complement: NEB is on the minus strand). VCF-style (leftmost placement, unchanged base first): chr2-151570129-GTCGGGC-G. GRCh37 (hg19) VCF-style: chr2-152426643-GTCGGGC-G.
Other names: c.17376_17381del, p.Met5792_Asp5794delinsIle (NM_001164507.2, NM_001271208.2); c.12273_12278del, p.Met4091_Asp4093delinsIle (NM_004543.5); c.17376_17381delGCCCGA (NM_001271208.2).
Identifiers: ClinVar variation 657541 (VCV000657541.8), dbSNP rs765184893, ClinGen allele CA1908236.
Genomic context (GRCh38, chr2:151,570,129, plus strand): 5'-CAGCCCACTCACATCGCTCTGCAGTTCGTAGGCCTTCTTGGCCTGAATCACATCGTTCTG[GTCGGGC>G]ATGCAGGTCCACTGGTGCAGGTAATTGCGGTAATCCATGTCACTGACCAGAGCCTGGGAA-3'